The following is an entry in ClinVar:

ClinVar aggregate classification (germline): Uncertain significance (1 of 4 stars; one submission).

Conditions:
Hypertrophic cardiomyopathy. Also called: HYPERTROPHIC MYOCARDIOPATHY. Identifiers: Orphanet 217569, MedGen C0007194, MeSH D002312, MONDO:0005045, HP:0001639.

Submission:

Labcorp Genetics (formerly Invitae), Labcorp
Classification: Uncertain significance for Hypertrophic cardiomyopathy. Last evaluated: 2022-03-26. Review status: criteria provided, single submitter. Criteria: Invitae Variant Classification Sherloc (09022015). Collection method: clinical testing. Allele origin: germline.
Comment: Algorithms developed to predict the effect of missense changes on protein structure and function are either unavailable or do not agree on the potential impact of this missense change (SIFT: "Deleterious"; PolyPhen-2: "Benign"; Align-GVGD: "Class C0"). In summary, the available evidence is currently insufficient to determine the role of this variant in disease. Therefore, it has been classified as a Variant of Uncertain Significance. This sequence change replaces glutamic acid, which is acidic and polar, with glutamine, which is neutral and polar, at codon 66 of the TNNI3 protein (p.Glu66Gln). This variant is not present in population databases (gnomAD no frequency). This variant has not been reported in the literature in individuals affected with TNNI3-related conditions.

NM_000363.5(TNNI3):c.196G>C (p.Glu66Gln)

Gene: TNNI3 (troponin I3, cardiac type; minus strand). Cytogenetic location: 19q13.42.
Variant type: single nucleotide variant.
Coding change: c.196G>C on transcript NM_000363.5 (MANE Select); coding-DNA position 196, G replaced by C.
Protein change: p.Glu66Gln; replaces glutamic acid 66 with glutamine.
Molecular consequence: missense variant.
Genome position (GRCh38, 1-based): chr19:55,156,287, C>G on the plus strand (G>C on the coding strand, the complement: TNNI3 is on the minus strand). VCF-style: chr19-55156287-C-G. GRCh37 (hg19) VCF-style: chr19-55667655-C-G.
Other names: short protein forms E66Q.
Identifiers: ClinVar variation 2117455 (VCV002117455.4), dbSNP rs1253836774, ClinGen allele CA407441885.
Genomic context (GRCh38, chr19:55,156,287, plus strand): 5'-CCAACTCCAGCGGCTGGCAGCGGGTGCTCAGAGCGCGCCCCTTCTCTCCGCGCCGCTCCT[C>G]CGCCTCTCGCTCCAGCTCTTGCTTTGCAATCTGCAGCAGCAGAGTCTGCAGAGGGGTGGG-3'
Protein context (NP_000354.4, residues 56-76): IAKQELEREA[Glu66Gln]ERRGEKGRAL